The following is an entry in ClinVar:

NM_000784.4(CYP27A1):c.1397C>T (p.Ser466Phe)

Gene: CYP27A1 (cytochrome P450 family 27 subfamily A member 1; plus strand). Cytogenetic location: 2q35.
Variant type: single nucleotide variant.
Coding change: c.1397C>T on transcript NM_000784.4 (MANE Select); coding-DNA position 1397, C replaced by T.
Protein change: p.Ser466Phe; replaces serine 466 with phenylalanine.
Molecular consequence: missense variant.
Genome position (GRCh38, 1-based): chr2:218,814,678, C>T. VCF-style: chr2-218814678-C-T. GRCh37 (hg19) VCF-style: chr2-219679401-C-T.
Other names: short protein forms S466F.
Identifiers: ClinVar variation 5035102 (VCV005035102.1).

ClinVar aggregate classification (germline): Uncertain significance (1 of 4 stars; one submission).

Conditions:
Cardiovascular phenotype. Identifiers: MedGen CN230736.

gnomAD v4.1: 1 of 1,614,234 alleles (0.000062%); highest among the groups gnomAD compares: South Asian, 0.0011%; no homozygotes.

Submission:

Ambry Genetics
Classification: Uncertain significance for Cardiovascular phenotype. Last evaluated: 2026-08-24. Review status: criteria provided, single submitter. Criteria: Ambry Variant Classification Scheme 2023. Collection method: clinical testing. Allele origin: germline.
Comment: The p.S466F variant (also known as c.1397C>T), located in coding exon 8 of the CYP27A1 gene, results from a C to T substitution at nucleotide position 1397. The serine at codon 466 is replaced by phenylalanine, an amino acid with highly dissimilar properties. This amino acid position is conserved. In addition, the in silico prediction for this alteration is inconclusive. Based on the available evidence, the clinical significance of this variant remains unclear.